The following is an entry in ClinVar:

ClinVar aggregate classification (germline): Uncertain significance (1 of 4 stars; one submission).

Conditions:
Hereditary cancer-predisposing syndrome. Also called: Tumor predisposition; Neoplastic Syndromes, Hereditary; Hereditary neoplastic syndrome; Hereditary Cancer Syndrome. Identifiers: Orphanet 140162, MedGen C0027672, MeSH D009386, MONDO:0015356.

Submission:

Ambry Genetics
Classification: Uncertain significance for Hereditary cancer-predisposing syndrome. Last evaluated: 2025-08-27. Review status: criteria provided, single submitter. Criteria: Ambry Variant Classification Scheme 2023. Collection method: clinical testing. Allele origin: germline.
Comment: The p.F358I variant (also known as c.1072T>A), located in coding exon 12 of the MUTYH gene, results from a T to A substitution at nucleotide position 1072. The phenylalanine at codon 358 is replaced by isoleucine, an amino acid with highly similar properties. This amino acid position is conserved. In addition, the in silico prediction for this alteration is inconclusive. Based on the available evidence, the clinical significance of this variant remains unclear.

NM_001048174.2(MUTYH):c.988T>A (p.Phe330Ile)

Gene: MUTYH (mutY DNA glycosylase; minus strand). Cytogenetic location: 1p34.1.
Variant type: single nucleotide variant.
Coding change: c.988T>A on transcript NM_001048174.2 (MANE Select); coding-DNA position 988, T replaced by A.
Protein change: p.Phe330Ile; replaces phenylalanine 330 with isoleucine.
Molecular consequence: missense variant. On other transcripts: non-coding transcript variant (7).
Genome position (GRCh38, 1-based): chr1:45,331,775, A>T on the plus strand (T>A on the coding strand, the complement: MUTYH is on the minus strand). VCF-style: chr1-45331775-A-T. GRCh37 (hg19) VCF-style: chr1-45797447-A-T.
Other names: c.988T>A, p.Phe330Ile (NM_001407081.1, NM_001407088.1, NM_001048171.2 and 6 more transcripts); c.643T>A, p.Phe215Ile (NM_001407082.1, NM_001350650.2, NM_001350651.2); c.1030T>A, p.Phe344Ile (NM_001407083.1, NM_001407085.1); c.991T>A, p.Phe331Ile (NM_001407086.1, NM_001048172.2, NM_001407071.1 and 1 more transcripts); c.1009T>A, p.Phe337Ile (NM_001407087.1); c.1072T>A, p.Phe358Ile (NM_001128425.2); c.1033T>A, p.Phe345Ile (NM_001293190.2); c.1021T>A, p.Phe341Ile (NM_001293191.2, NM_001407069.1, NM_001407077.1); and 5 more; short protein forms F238I, F330I, F337I, F358I, F316I, F331I, F215I, F302I.
Identifiers: ClinVar variation 4112983 (VCV004112983.1).